The following is an entry in ClinVar:

ClinVar aggregate classification (germline): Likely pathogenic (1 of 4 stars; one submission).

Allele frequency attached by ClinVar (database versions not stated): gnomAD exomes below 0.00001.
gnomAD v4.1: 1 of 1,613,646 alleles (0.000062%); no homozygotes.

Submission:

Labcorp Genetics (formerly Invitae), Labcorp
Classification: Likely pathogenic. Last evaluated: 2019-12-04. Review status: criteria provided, single submitter. Criteria: Invitae Variant Classification Sherloc (09022015). Collection method: clinical testing. Allele origin: germline.
Comment: In summary, the currently available evidence indicates that the variant is pathogenic, but additional data are needed to prove that conclusively. Therefore, this variant has been classified as Likely Pathogenic. Donor and acceptor splice site variants typically lead to a loss of protein function (PMID: 16199547), and loss-of-function variants in COL7A1 are known to be pathogenic (PMID: 16971478). Algorithms developed to predict the effect of sequence changes on RNA splicing suggest that this variant may disrupt the consensus splice site, but this prediction has not been confirmed by published transcriptional studies. This variant has not been reported in the literature in individuals with COL7A1-related conditions. 639689 This variant is not present in population databases (ExAC no frequency). This sequence change affects a donor splice site in intron 34 of the COL7A1 gene. It is expected to disrupt RNA splicing and likely results in an absent or disrupted protein product.

Literature cited by the submitters: PubMed 16199547; PubMed 16971478.

NM_000094.4(COL7A1):c.4047+2T>C

Gene: COL7A1 (collagen type VII alpha 1 chain; minus strand). Cytogenetic location: 3p21.31.
Variant type: single nucleotide variant.
Coding change: c.4047+2T>C on transcript NM_000094.4 (MANE Select); the canonical splice donor site of the intron after coding-DNA position 4047, T replaced by C.
Molecular consequence: splice donor variant.
Genome position (GRCh38, 1-based): chr3:48,584,732, A>G on the plus strand (T>C on the coding strand, the complement: COL7A1 is on the minus strand). VCF-style: chr3-48584732-A-G. GRCh37 (hg19) VCF-style: chr3-48622165-A-G.
Identifiers: ClinVar variation 639689 (VCV000639689.8), dbSNP rs1365148358, ClinGen allele CA352696428.